The following is an entry in ClinVar:

NM_001079668.3(NKX2-1):c.463+4A>G

Genes: NKX2-1 (NK2 homeobox 1; minus strand), SFTA3 (surfactant associated 3; minus strand). Cytogenetic location: 14q13.3.
Variant type: single nucleotide variant.
Coding change: c.463+4A>G on transcript NM_001079668.3 (MANE Select); 4 bases into the intron after coding-DNA position 463, A replaced by G.
Molecular consequence: intron variant.
Genome position (GRCh38, 1-based): chr14:36,518,981, T>C on the plus strand (A>G on the coding strand, the complement: NKX2-1 is on the minus strand). VCF-style: chr14-36518981-T-C. GRCh37 (hg19) VCF-style: chr14-36988186-T-C.
Other names: c.373+4A>G (NM_003317.4).
Identifiers: ClinVar variation 930341 (VCV000930341.3), dbSNP rs1881201369, ClinGen allele CA1139663454.

ClinVar aggregate classification (germline): Uncertain significance (1 of 4 stars; one submission).

Conditions:
Thyroid cancer, nonmedullary, 1. Also called: Nonmedullary thyroid carcinoma 1. Identifiers: MedGen C4721429, MONDO:0008567, OMIM 188550.

Submission:

Centre for Mendelian Genomics, University Medical Centre Ljubljana
Classification: Uncertain significance for Thyroid cancer, nonmedullary, 1. Last evaluated: 2019-01-10. Review status: criteria provided, single submitter. Criteria: ACMG Guidelines, 2015. Collection method: clinical testing. Allele origin: unknown. Affected: yes.
Comment: This variant was classified as: Uncertain significance. The available evidence on this variant's pathogenicity is insufficient or conflicting. The following ACMG criteria were applied in classifying this variant: PM2,PP3.